The following is an entry in ClinVar:

ClinVar aggregate classification (germline): Uncertain significance. Review status: criteria provided, multiple submitters, no conflicts (2 of 4 stars). 2 submissions from 2 submitters: Uncertain significance (2). Last evaluated 2025-10-06.

Allele frequency attached by ClinVar (database versions not stated): TOPMed below 0.00001; gnomAD exomes 0.00001.
gnomAD v4.1: 9 of 1,605,844 alleles (0.00056%); highest among the groups gnomAD compares: Middle Eastern, 0.017%; no homozygotes.

Submissions (2):

Labcorp Genetics (formerly Invitae), Labcorp
Classification: Uncertain significance. Last evaluated: 2025-10-06. Review status: criteria provided, single submitter. Criteria: Invitae Variant Classification Sherloc (09022015). Collection method: clinical testing. Allele origin: germline.
Comment: This sequence change replaces glutamic acid, which is acidic and polar, with lysine, which is basic and polar, at codon 617 of the RECQL protein (p.Glu617Lys). This variant is not present in population databases (gnomAD no frequency). This variant has not been reported in the literature in individuals affected with RECQL-related conditions. ClinVar contains an entry for this variant (Variation ID: 1355162). An algorithm developed to predict the effect of missense changes on protein structure and function (PolyPhen-2) suggests that this variant is likely to be tolerated. In summary, the available evidence is currently insufficient to determine the role of this variant in disease. Therefore, it has been classified as a Variant of Uncertain Significance.

Ambry Genetics
Classification: Uncertain significance. Last evaluated: 2024-04-24. Review status: criteria provided, single submitter. Criteria: Ambry Variant Classification Scheme 2023. Collection method: clinical testing. Allele origin: germline.
Comment: The p.E617K variant (also known as c.1849G>A), located in coding exon 14 of the RECQL gene, results from a G to A substitution at nucleotide position 1849. The glutamic acid at codon 617 is replaced by lysine, an amino acid with similar properties. This amino acid position is conserved. In addition, this alteration is predicted to be tolerated by in silico analysis. Since supporting evidence is limited at this time, the clinical significance of this alteration remains unclear.

NM_002907.4(RECQL):c.1849G>A (p.Glu617Lys)

Genes: PYROXD1 (pyridine nucleotide-disulphide oxidoreductase domain 1; plus strand), RECQL (RecQ like helicase; minus strand). Cytogenetic location: 12p12.1.
Variant type: single nucleotide variant.
Coding change: c.1849G>A on transcript NM_002907.4 (MANE Select); coding-DNA position 1849, G replaced by A.
Protein change: p.Glu617Lys; replaces glutamic acid 617 with lysine.
Molecular consequence: missense variant. On other transcripts: 3 prime UTR variant (3).
Genome position (GRCh38, 1-based): chr12:21,470,295, C>T on the plus strand (G>A on the coding strand, the complement: RECQL is on the minus strand). VCF-style: chr12-21470295-C-T. GRCh37 (hg19) VCF-style: chr12-21623229-C-T.
Other names: c.1849G>A, p.Glu617Lys (NM_032941.3); c.*1541C>T (NM_001350912.2, NM_001350913.2, NM_024854.5); short protein forms E617K.
Identifiers: ClinVar variation 1355162 (VCV001355162.9), dbSNP rs17849407, ClinGen allele CA233563882.